The following is an entry in ClinVar:

ClinVar aggregate classification (germline): Uncertain significance (1 of 4 stars; one submission).

Conditions:
Cardiomyopathy (CMYO). Also called: Cardiomyopathies. Identifiers: Orphanet 167848, MedGen C0878544, MONDO:0004994, HP:0001638. Inheritance: Various modes of inheritance.

Allele frequency attached by ClinVar (database versions not stated): TOPMed below 0.00001.
gnomAD v4.1: 1 of 1,613,474 alleles (0.000062%); highest among the groups gnomAD compares: South Asian, 0.0011%; no homozygotes.

Submission:

Color Diagnostics, LLC DBA Color Health
Classification: Uncertain significance for Cardiomyopathy. Last evaluated: 2023-12-05. Review status: criteria provided, single submitter. Criteria: ACMG Guidelines, 2015. Collection method: clinical testing. Allele origin: germline.
Comment: This missense variant replaces lysine with threonine at codon 812 of the RYR2 protein. Computational prediction tools and conservation analyses suggest that this variant may have deleterious impact on the protein function. Computational splicing tools suggest that this variant may not impact RNA splicing. To our knowledge, functional assays have not been performed for this variant nor has this variant been reported in individuals affected with cardiovascular disorders in the literature. This variant has not been identified in the general population by the Genome Aggregation Database (gnomAD). Available evidence is insufficient to determine the role of this variant in disease conclusively. Therefore, this variant is classified as a Variant of Uncertain Significance.

NM_001035.3(RYR2):c.2435A>C (p.Lys812Thr)

Gene: RYR2 (ryanodine receptor 2; plus strand). Cytogenetic location: 1q43.
Variant type: single nucleotide variant.
Coding change: c.2435A>C on transcript NM_001035.3 (MANE Select); coding-DNA position 2435, A replaced by C.
Protein change: p.Lys812Thr; replaces lysine 812 with threonine.
Molecular consequence: missense variant.
Genome position (GRCh38, 1-based): chr1:237,503,327, A>C. VCF-style: chr1-237503327-A-C. GRCh37 (hg19) VCF-style: chr1-237666627-A-C.
Other names: short protein forms K812T.
Identifiers: ClinVar variation 920051 (VCV000920051.5), dbSNP rs779155482, ClinGen allele CA345378742.
Genomic context (GRCh38, chr1:237,503,327, plus strand): 5'-CTCTAACGTGCATCCTCTTTAGAGTACGCTTTCTGCTTGGAGGGCGACATGGAGAATTCA[A>C]ATTTCTTCCTCCACCTGGGTATGCTCCTTGTTATGAAGCTGTTCTGCCAAAAGAAAAGTT-3'
Protein context (NP_001026.2, residues 802-822): FLLGGRHGEF[Lys812Thr]FLPPPGYAPC